The following is an entry in ClinVar:

NM_015450.3(POT1):c.338C>T (p.Pro113Leu)

Gene: POT1 (protection of telomeres 1; minus strand). Cytogenetic location: 7q31.33.
Variant type: single nucleotide variant.
Coding change: c.338C>T on transcript NM_015450.3 (MANE Select); coding-DNA position 338, C replaced by T.
Protein change: p.Pro113Leu; replaces proline 113 with leucine.
Molecular consequence: missense variant. On other transcripts: 5 prime UTR variant (1), non-coding transcript variant (3).
Genome position (GRCh38, 1-based): chr7:124,863,558, G>A on the plus strand (C>T on the coding strand, the complement: POT1 is on the minus strand). VCF-style: chr7-124863558-G-A. GRCh37 (hg19) VCF-style: chr7-124503612-G-A.
Other names: c.-56C>T (NM_001042594.2); short protein forms P113L.
Identifiers: ClinVar variation 475080 (VCV000475080.9), dbSNP rs1554426986, ClinGen allele CA369060043.

ClinVar aggregate classification (germline): Uncertain significance (1 of 4 stars; one submission).

Conditions:
Tumor predisposition syndrome 3 (TPDS3). Also called: Glioma susceptibility 9; LONG TELOMERE SYNDROME, POT1-RELATED; POT1 Tumor Predisposition; Melanoma, cutaneous malignant, susceptibility to, 10. Identifiers: Orphanet 618, MedGen C4014476, MONDO:0014368, OMIM 615848.

Submission:

Labcorp Genetics (formerly Invitae), Labcorp
Classification: Uncertain significance for Tumor predisposition syndrome 3. Last evaluated: 2017-07-09. Review status: criteria provided, single submitter. Criteria: Invitae Variant Classification Sherloc (09022015). Collection method: clinical testing. Allele origin: germline.
Comment: Algorithms developed to predict the effect of missense changes on protein structure and function do not agree on the potential impact of this missense change (SIFT: "Deleterious"; PolyPhen-2: "Benign"; Align-GVGD: "Class C0"). This variant has not been reported in the literature in individuals with POT1-related disease. This variant is not present in population databases (ExAC no frequency). This sequence change replaces proline with leucine at codon 113 of the POT1 protein (p.Pro113Leu). The proline residue is moderately conserved and there is a moderate physicochemical difference between proline and leucine. In summary, the available evidence is currently insufficient to determine the role of this variant in disease. Therefore, it has been classified as a Variant of Uncertain Significance.